The following is an entry in ClinVar:

ClinVar aggregate classification (germline): Benign/Likely benign. Review status: criteria provided, multiple submitters, no conflicts (2 of 4 stars). 4 submissions from 4 submitters: Benign (1); Likely benign (2). 1 of the submissions does not count toward it. Last evaluated 2025-06-19.

Conditions:
MTFMT-related disorder. Also called: MTFMT-related condition.

Allele frequency attached by ClinVar (database versions not stated): TOPMed 0.00237; 1000 Genomes Project 30x 0.00250.
gnomAD v4.1: 580 of 1,429,532 alleles (0.041%); highest among the groups gnomAD compares: African/African-American, 0.81%; 3 homozygotes.

Submissions (4):

Labcorp Genetics (formerly Invitae), Labcorp
Classification: Benign. Last evaluated: 2025-06-19. Review status: criteria provided, single submitter. Criteria: Invitae Variant Classification Sherloc (09022015). Collection method: clinical testing. Allele origin: germline.

Blueprint Genetics
Classification: Likely benign. Last evaluated: 2024-10-18. Review status: criteria provided, single submitter. Criteria: ACMG Guidelines, 2015. Collection method: clinical testing. Allele origin: germline.

GeneDx
Classification: Likely benign. Last evaluated: 2020-01-13. Review status: criteria provided, single submitter. Criteria: GeneDx Variant Classification Process June 2021. Collection method: clinical testing. Allele origin: germline. Affected: yes.

PreventionGenetics, part of Exact Sciences
Classification: Benign for MTFMT-related condition. Last evaluated: 2019-08-05. Review status: no assertion criteria provided. Collection method: clinical testing. Allele origin: germline. Not counted in ClinVar's aggregate classification.
Comment: This variant is classified as benign based on ACMG/AMP sequence variant interpretation guidelines (Richards et al. 2015 PMID: 25741868, with internal and published modifications).

NM_139242.4(MTFMT):c.16C>G (p.Arg6Gly)

Gene: MTFMT (mitochondrial methionyl-tRNA formyltransferase; minus strand). Cytogenetic location: 15q22.31.
Variant type: single nucleotide variant.
Coding change: c.16C>G on transcript NM_139242.4 (MANE Select); coding-DNA position 16, C replaced by G.
Protein change: p.Arg6Gly; replaces arginine 6 with glycine.
Molecular consequence: missense variant.
Genome position (GRCh38, 1-based): chr15:65,029,598, G>C on the plus strand (C>G on the coding strand, the complement: MTFMT is on the minus strand). VCF-style: chr15-65029598-G-C. GRCh37 (hg19) VCF-style: chr15-65321936-G-C.
Other names: short protein forms R6G.
Identifiers: ClinVar variation 669075 (VCV000669075.15), dbSNP rs199599204, ClinGen allele CA7613444.